The following is an entry in ClinVar:

ClinVar aggregate classification (germline): Likely pathogenic (1 of 4 stars; one submission).

Submission:

Quest Diagnostics Nichols Institute San Juan Capistrano
Classification: Likely pathogenic. Last evaluated: 2023-09-01. Review status: criteria provided, single submitter. Criteria: Quest Diagnostics criteria. Collection method: clinical testing. Allele origin: unknown.
Comment: The SDHA c.1729C>T (p.Gln577*) variant is predicted to cause the premature termination of SDHA protein synthesis. This variant has not been reported in individuals with SDHA-related conditions in the published literature. This variant has not been reported in large, multi-ethnic general populations (Genome Aggregation Database). Based on the available information, this variant is classified as likely pathogenic.

NM_004168.4(SDHA):c.1729C>T (p.Gln577Ter)

Gene: SDHA (succinate dehydrogenase complex flavoprotein subunit A; plus strand). Cytogenetic location: 5p15.33.
Variant type: single nucleotide variant.
Coding change: c.1729C>T on transcript NM_004168.4 (MANE Select); coding-DNA position 1729, C replaced by T.
Protein change: p.Gln577Ter; replaces glutamine 577 with a stop codon.
Molecular consequence: nonsense. On other transcripts: intron variant (1).
Genome position (GRCh38, 1-based): chr5:251,403, C>T. VCF-style: chr5-251403-C-T. GRCh37 (hg19) VCF-style: chr5-251518-C-T.
Other names: c.1585C>T, p.Gln529Ter (NM_001294332.2); c.1552-2990C>T (NM_001330758.2); short protein forms Q529*, Q577*.
Identifiers: ClinVar variation 2682078 (VCV002682078.1), dbSNP rs2126633433, ClinGen allele CA359000151.